The following is an entry in ClinVar:

NM_001267550.2(TTN):c.11311+2525C>T

Gene: TTN (titin; minus strand). Cytogenetic location: 2q31.2.
Variant type: single nucleotide variant.
Coding change: c.11311+2525C>T on transcript NM_001267550.2 (MANE Select); 2525 bases into the intron after coding-DNA position 11311, C replaced by T.
Molecular consequence: intron variant. On other transcripts: missense variant (1).
Genome position (GRCh38, 1-based): chr2:178,750,599, G>A on the plus strand (C>T on the coding strand, the complement: TTN is on the minus strand). VCF-style: chr2-178750599-G-A. GRCh37 (hg19) VCF-style: chr2-179615326-G-A.
Other names: c.10360+2525C>T (NM_001256850.1, NM_133378.4); c.11801C>T, p.Ser3934Phe (NM_133379.5); c.10222+2525C>T (NM_003319.4); c.10798+2525C>T (NM_133437.4); c.10597+2525C>T (NM_133432.3); short protein forms S3934F.
Identifiers: ClinVar variation 2651705 (VCV002651705.24), dbSNP rs765947828, ClinGen allele CA2003676.
Genomic context (GRCh38, chr2:178,750,599, plus strand): 5'-TCTTGAGATTCAATTTCTTGAAGAAATGAAGGTGGGCAACGTTGTGGGCGTTTTCGAAAA[G>A]AATTTTCAAAAAATCTCATGTTTTCTTCCTTCTGTTCGGTTTTGAATTCATCAATTCGTG-3'

ClinVar aggregate classification (germline): Uncertain significance (1 of 4 stars; one submission).

gnomAD v4.1: 3 of 1,612,228 alleles (0.00019%); highest among the groups gnomAD compares: Admixed American, 0.0033%; no homozygotes.

Submission:

CeGaT Center for Human Genetics Tuebingen
Classification: Uncertain significance. Last evaluated: 2023-09-01. Review status: criteria provided, single submitter. Criteria: CeGaT Center For Human Genetics Tuebingen Variant Classification Criteria Version 2. Collection method: clinical testing. Allele origin: germline. Affected: yes. Observed: 1 variant allele.
Comment: TTN: PM2, BP4